The following is an entry in ClinVar:

ClinVar aggregate classification (germline): Pathogenic (1 of 4 stars; one submission).

Conditions:
Gamma-aminobutyric acid transaminase deficiency (GABATD). Also called: GABA transaminase deficiency; Gamma aminobutyrate transaminase deficiency; 4 alpha aminobutyrate transaminase deficiency; GABA aminotransaminase deficiency. Identifiers: Orphanet 2066, MedGen C0342708, MONDO:0013166, OMIM 613163.

Submission:

Labcorp Genetics (formerly Invitae), Labcorp
Classification: Pathogenic for Gamma-aminobutyric acid transaminase deficiency. Last evaluated: 2025-02-27. Review status: criteria provided, single submitter. Criteria: Invitae Variant Classification Sherloc (09022015). Collection method: clinical testing. Allele origin: germline.
Comment: This sequence change creates a premature translational stop signal (p.Arg220Aspfs*11) in the ABAT gene. It is expected to result in an absent or disrupted protein product. Loss-of-function variants in ABAT are known to be pathogenic (PMID: 20052547, 25738457). This variant is not present in population databases (gnomAD no frequency). This variant has not been reported in the literature in individuals affected with ABAT-related conditions. For these reasons, this variant has been classified as Pathogenic.

Literature cited by the submitters: PubMed 20052547; PubMed 25738457.

NM_020686.6(ABAT):c.658_659del (p.Arg220fs)

Gene: ABAT (4-aminobutyrate aminotransferase; plus strand). Cytogenetic location: 16p13.2.
Variant type: Deletion.
Coding change: c.658_659del on transcript NM_020686.6 (MANE Select); coding-DNA positions 658 to 659, 2 bases deleted (AG; older notation c.658_659delAG).
Protein change: p.Arg220fs; shifts the reading frame from arginine 220.
Molecular consequence: frameshift variant.
Genome position (GRCh38, 1-based): chr16:8,768,247-8,768,248, AG deleted; deleting any 2 consecutive bases within chr16:8,768,246-8,768,248 gives the same sequence; the c. name uses the placement nearest the transcript's 3' end. VCF-style (leftmost placement, unchanged base first): chr16-8768245-GGA-G. GRCh37 (hg19) VCF-style: chr16-8862102-GGA-G.
Other names: c.658_659del, p.Arg220fs (NM_000663.5, NM_001127448.2, NM_001386600.1 and 7 more transcripts); c.595_596del, p.Arg199fs (NM_001386606.1, NM_001386607.1); c.565_566del, p.Arg189fs (NM_001386608.1); c.523_524del, p.Arg175fs (NM_001386610.1, NM_001386611.1); c.460_461del, p.Arg154fs (NM_001386612.1, NM_001386613.1); c.412_413del, p.Arg138fs (NM_001386614.1); c.754_755del, p.Arg252fs (NM_001386615.1); short protein forms R138fs, R154fs, R175fs, R199fs, R189fs, R220fs, R252fs.
Identifiers: ClinVar variation 3659859 (VCV003659859.2).